The following is an entry in ClinVar:

NM_152703.5(SAMD9L):c.4371A>T (p.Arg1457Ser)

Gene: SAMD9L (sterile alpha motif domain containing 9 like; minus strand). Cytogenetic location: 7q21.2.
Variant type: single nucleotide variant.
Coding change: c.4371A>T on transcript NM_152703.5 (MANE Select); coding-DNA position 4371, A replaced by T.
Protein change: p.Arg1457Ser; replaces arginine 1457 with serine.
Molecular consequence: missense variant.
Genome position (GRCh38, 1-based): chr7:93,131,601, T>A on the plus strand (A>T on the coding strand, the complement: SAMD9L is on the minus strand). VCF-style: chr7-93131601-T-A. GRCh37 (hg19) VCF-style: chr7-92760914-T-A.
Other names: c.4371A>T, p.Arg1457Ser (NM_001303496.3, NM_001303497.3, NM_001303498.3 and 5 more transcripts); c.4371A>T (NM_152703.2); short protein forms R1457S.
Identifiers: ClinVar variation 2572820 (VCV002572820.3), dbSNP rs752665363, ClinGen allele CA4343318.

ClinVar aggregate classification (germline): Uncertain significance. Review status: criteria provided, multiple submitters, no conflicts (2 of 4 stars). 2 submissions from 2 submitters: Uncertain significance (2). Last evaluated 2025-06-11.

Conditions:
Inborn genetic diseases. Identifiers: MedGen C0950123, MeSH D030342.

Allele frequency attached by ClinVar (database versions not stated): ExAC 0.00001.
gnomAD v4.1: 8 of 1,613,916 alleles (0.0005%); highest among the groups gnomAD compares: Non-Finnish European, 0.00068%; no homozygotes.

Submissions (2):

Ambry Genetics
Classification: Uncertain significance for Inborn genetic diseases. Last evaluated: 2025-06-11. Review status: criteria provided, single submitter. Criteria: Ambry Variant Classification Scheme 2023. Collection method: clinical testing. Allele origin: germline.

GeneDx
Classification: Uncertain significance. Last evaluated: 2023-01-12. Review status: criteria provided, single submitter. Criteria: GeneDx Variant Classification Process June 2021. Collection method: clinical testing. Allele origin: germline. Affected: yes.
Comment: Not observed at significant frequency in large population cohorts (gnomAD); In silico analysis supports that this missense variant does not alter protein structure/function; Has not been previously published as pathogenic or benign to our knowledge